The following is an entry in ClinVar:

NM_198253.3(TERT):c.1081G>T (p.Val361Leu)

Gene: TERT (telomerase reverse transcriptase; minus strand). Cytogenetic location: 5p15.33.
Variant type: single nucleotide variant.
Coding change: c.1081G>T on transcript NM_198253.3 (MANE Select); coding-DNA position 1081, G replaced by T.
Protein change: p.Val361Leu; replaces valine 361 with leucine.
Molecular consequence: missense variant. On other transcripts: non-coding transcript variant (2).
Genome position (GRCh38, 1-based): chr5:1,293,805, C>A on the plus strand (G>T on the coding strand, the complement: TERT is on the minus strand). VCF-style: chr5-1293805-C-A. GRCh37 (hg19) VCF-style: chr5-1293920-C-A.
Other names: c.1081G>T, p.Val361Leu (NM_001193376.3); short protein forms V361L.
Identifiers: ClinVar variation 4843989 (VCV004843989.1).

ClinVar aggregate classification (germline): Uncertain significance (1 of 4 stars; one submission).

Conditions:
Dyskeratosis congenita. Identifiers: Orphanet 1775, MedGen C0265965, MONDO:0015780.

Submission:

Ambry Genetics
Classification: Uncertain significance for Dyskeratosis congenita. Last evaluated: 2026-01-03. Review status: criteria provided, single submitter. Criteria: Ambry Variant Classification Scheme 2023. Collection method: clinical testing. Allele origin: germline.
Comment: The p.V361L variant (also known as c.1081G>T), located in coding exon 2 of the TERT gene, results from a G to T substitution at nucleotide position 1081. The valine at codon 361 is replaced by leucine, an amino acid with highly similar properties. This amino acid position is conserved. In addition, the in silico prediction for this alteration is inconclusive. Based on the available evidence, the clinical significance of this variant remains unclear.